The following is an entry in ClinVar:

ClinVar aggregate classification (germline): Likely benign. Review status: criteria provided, multiple submitters, no conflicts (2 of 4 stars). 4 submissions from 4 submitters: Likely benign (4). Last evaluated 2025-12-10.

Conditions:
DYNC1H1-related disorder. Also called: DYNC1H1-related condition; DYNC1H1-related disorders. Identifiers: MedGen CN381529.
Inborn genetic diseases. Identifiers: MedGen C0950123, MeSH D030342.
Charcot-Marie-Tooth disease axonal type 2O. Also called: Charcot-Marie-Tooth disease, axonal, type 20; CHARCOT-MARIE-TOOTH NEUROPATHY, AXONAL, TYPE 2O; CHARCOT-MARIE-TOOTH DISEASE, AXONAL, AUTOSOMAL DOMINANT, TYPE 2O; Charcot-Marie-Tooth Neuropathy Type 2O. Identifiers: Orphanet 284232, MedGen C3280220, MONDO:0013644, OMIM 614228.

Allele frequency attached by ClinVar (database versions not stated): gnomAD 0.00003; TOPMed 0.00011; ESP Exome Variant Server 0.00023.
gnomAD v4.1: 164 of 1,614,072 alleles (0.01%); highest among the groups gnomAD compares: Admixed American, 0.072%; no homozygotes.

Submissions (4):

Labcorp Genetics (formerly Invitae), Labcorp
Classification: Likely benign for Charcot-Marie-Tooth disease axonal type 2O. Last evaluated: 2025-12-10. Review status: criteria provided, single submitter. Criteria: Invitae Variant Classification Sherloc (09022015). Collection method: clinical testing. Allele origin: germline.

PreventionGenetics, part of Exact Sciences
Classification: Likely benign for DYNC1H1-related condition. Last evaluated: 2025-07-24. Review status: criteria provided, single submitter. Criteria: ACMG Guidelines, 2015. Collection method: clinical testing. Allele origin: germline.
Comment: This variant is classified as likely benign based on ACMG/AMP sequence variant interpretation guidelines (Richards et al. 2015 PMID: 25741868, with internal and published modifications).

GeneDx
Classification: Likely benign. Last evaluated: 2020-11-11. Review status: criteria provided, single submitter. Criteria: GeneDx Variant Classification Process June 2021. Collection method: clinical testing. Allele origin: germline. Affected: yes.

Ambry Genetics
Classification: Likely benign for Inborn genetic diseases. Last evaluated: 2018-05-11. Review status: criteria provided, single submitter. Criteria: Ambry Variant Classification Scheme 2023. Collection method: clinical testing. Allele origin: germline.

NM_001376.5(DYNC1H1):c.457A>G (p.Ile153Val)

Gene: DYNC1H1 (dynein cytoplasmic 1 heavy chain 1; plus strand). Cytogenetic location: 14q32.31.
Variant type: single nucleotide variant.
Coding change: c.457A>G on transcript NM_001376.5 (MANE Select); coding-DNA position 457, A replaced by G.
Protein change: p.Ile153Val; replaces isoleucine 153 with valine.
Molecular consequence: missense variant.
Genome position (GRCh38, 1-based): chr14:101,979,431, A>G. VCF-style: chr14-101979431-A-G. GRCh37 (hg19) VCF-style: chr14-102445768-A-G.
Other names: short protein forms I153V.
Identifiers: ClinVar variation 472536 (VCV000472536.17), dbSNP rs140905741, ClinGen allele CA7351534.